The following is an entry in ClinVar:

ClinVar aggregate classification (germline): Uncertain significance (1 of 4 stars; one submission).

Submission:

GeneDx
Classification: Uncertain significance. Last evaluated: 2024-08-06. Review status: criteria provided, single submitter. Criteria: GeneDx Variant Classification Process June 2021. Collection method: clinical testing. Allele origin: germline. Affected: yes.
Comment: Not observed at significant frequency in large population cohorts (gnomAD); In silico analysis indicates that this missense variant does not alter protein structure/function; Has not been previously published as pathogenic or benign to our knowledge

NM_003620.4(PPM1D):c.1123A>G (p.Ile375Val)

Gene: PPM1D (protein phosphatase, Mg2+/Mn2+ dependent 1D; plus strand). Cytogenetic location: 17q23.2.
Variant type: single nucleotide variant.
Coding change: c.1123A>G on transcript NM_003620.4 (MANE Select); coding-DNA position 1123, A replaced by G.
Protein change: p.Ile375Val; replaces isoleucine 375 with valine.
Molecular consequence: missense variant.
Genome position (GRCh38, 1-based): chr17:60,656,704, A>G. VCF-style: chr17-60656704-A-G. GRCh37 (hg19) VCF-style: chr17-58734065-A-G.
Other names: short protein forms I375V.
Identifiers: ClinVar variation 3730958 (VCV003730958.1).